The following is an entry in ClinVar:

ClinVar aggregate classification (germline): Uncertain significance. Review status: criteria provided, multiple submitters, no conflicts (2 of 4 stars). 3 submissions from 3 submitters: Uncertain significance (3). Last evaluated 2025-08-07.

Conditions:
Wilms tumor 1 (WT1). Also called: Wilms tumor, somatic. Identifiers: Orphanet 654, MedGen CN033288, MONDO:0008679, OMIM 194070.
11p partial monosomy syndrome (WAGR). Also called: WAGR syndrome; WAGR Spectrum Disorder; CHROMOSOME 11p13 DELETION SYNDROME; WAGR Complex. Identifiers: Orphanet 893, MedGen C0206115, MONDO:0008681, OMIM 194072.
Frasier syndrome. Identifiers: Orphanet 347, MedGen C0950122, MeSH D052159, MONDO:0007635, OMIM 136680.
Drash syndrome (DDS). Also called: WILMS TUMOR AND PSEUDO- OR TRUE HERMAPHRODITISM; NEPHROPATHY, WILMS TUMOR, AND GENITAL ANOMALIES. Identifiers: Orphanet 220, MedGen C0950121, MONDO:0008682, OMIM 194080.
Inborn genetic diseases. Identifiers: MedGen C0950123, MeSH D030342.

Allele frequency attached by ClinVar (database versions not stated): TOPMed below 0.00001.

Submissions (3):

Ambry Genetics
Classification: Uncertain significance for Inborn genetic diseases. Last evaluated: 2025-08-07. Review status: criteria provided, single submitter. Criteria: Ambry Variant Classification Scheme 2023. Collection method: clinical testing. Allele origin: germline.

All of Us Research Program, National Institutes of Health
Classification: Uncertain significance for Wilms tumor 1. Last evaluated: 2023-04-03. Review status: criteria provided, single submitter. Criteria: ACMG Guidelines, 2015. Collection method: clinical testing. Allele origin: germline. Inheritance: Autosomal dominant inheritance. Observed: 1 variant allele, 1 heterozygote.
Comment: This missense variant replaces arginine with leucine at codon 52 of the WT1 protein. Computational prediction suggests that this variant may not impact protein structure and function (internally defined REVEL score threshold <= 0.5, PMID: 27666373). To our knowledge, functional studies have not been reported for this variant. This variant has not been reported in individuals affected with WT1-related disorders in the literature. This variant has not been identified in the general population by the Genome Aggregation Database (gnomAD). The available evidence is insufficient to determine the role of this variant in disease conclusively. Therefore, this variant is classified as a Variant of Uncertain Significance.

This study involves interpretation of variants in research participants for the purpose of population health screening. Participant phenotype was not available at the time of variant classification. Additional details can be found in publication PMID: 35346344, PMCID: PMC8962531

Labcorp Genetics (formerly Invitae), Labcorp
Classification: Uncertain significance for Wilms tumor 1; Drash syndrome; 11p partial monosomy syndrome; Frasier syndrome. Last evaluated: 2022-10-07. Review status: criteria provided, single submitter. Criteria: Invitae Variant Classification Sherloc (09022015). Collection method: clinical testing. Allele origin: germline.
Comment: This variant has not been reported in the literature in individuals affected with WT1-related conditions. ClinVar contains an entry for this variant (Variation ID: 933960). Algorithms developed to predict the effect of missense changes on protein structure and function are either unavailable or do not agree on the potential impact of this missense change (SIFT: "Deleterious"; PolyPhen-2: "Benign"; Align-GVGD: "Class C0"). In summary, the available evidence is currently insufficient to determine the role of this variant in disease. Therefore, it has been classified as a Variant of Uncertain Significance. This variant is not present in population databases (gnomAD no frequency). This sequence change replaces arginine, which is basic and polar, with leucine, which is neutral and non-polar, at codon 52 of the WT1 protein (p.Arg52Leu).

NM_024426.6(WT1):c.170G>T (p.Arg57Leu)

Genes: WT1 (WT1 transcription factor; minus strand), LOC107982234 (WT1/WT1-AS bi-directional promoter region; plus strand). Cytogenetic location: 11p13.
Variant type: single nucleotide variant.
Coding change: c.170G>T on transcript NM_024426.6 (MANE Select); coding-DNA position 170, G replaced by T.
Protein change: p.Arg57Leu; replaces arginine 57 with leucine.
Molecular consequence: missense variant. On other transcripts: non-coding transcript variant (1).
Genome position (GRCh38, 1-based): chr11:32,435,191, C>A on the plus strand (G>T on the coding strand, the complement: WT1 is on the minus strand). VCF-style: chr11-32435191-C-A. GRCh37 (hg19) VCF-style: chr11-32456737-C-A.
Other names: c.170G>T, p.Arg57Leu (NM_000378.6, NM_024424.5); short protein forms R57L.
Identifiers: ClinVar variation 933960 (VCV000933960.13), dbSNP rs1011628259, ClinGen allele CA219511348.